The following is an entry in ClinVar:

ClinVar aggregate classification (germline): Pathogenic/Likely pathogenic. Review status: criteria provided, multiple submitters, no conflicts (2 of 4 stars). 5 submissions from 5 submitters: Pathogenic (3); Likely pathogenic (2). Last evaluated 2025-11-05.

Conditions:
Familial hypokalemia-hypomagnesemia (GTLMNS). Also called: gitelman syndrome; HYPOMAGNESEMIA-HYPOKALEMIA, PRIMARY RENOTUBULAR, WITH HYPOCALCIURIA; POTASSIUM AND MAGNESIUM DEPLETION. Identifiers: Orphanet 358, MedGen C0268450, MONDO:0009904, OMIM 263800.

Allele frequency attached by ClinVar (database versions not stated): ExAC 0.00002; gnomAD exomes 0.00002.
gnomAD v4.1: 21 of 1,613,640 alleles (0.0013%); highest among the groups gnomAD compares: African/African-American, 0.0093%; no homozygotes.

Submissions (5):

Natera, Inc.
Classification: Pathogenic for Gitelman syndrome. Last evaluated: 2025-11-05. Review status: criteria provided, single submitter. Criteria: Natera Variant Classification Schema (03/2026). Collection method: clinical testing. Allele origin: germline.
Comment: The c.947G>T variant in SLC12A3 is a missense variant predicted to cause substitution of glycine to valine at amino acid 316. This variant is rare in the general population with a frequency below the threshold expected for the associated phenotype(s). This variant has been observed in one or more individuals affected with the associated recessive disease, as either homozygous or compound heterozygous with a second variant (PMID: 33348466, 35628451). Given the available evidence, this variant is classified as Pathogenic.

GeneDx
Classification: Pathogenic. Last evaluated: 2023-12-27. Review status: criteria provided, single submitter. Criteria: GeneDx Variant Classification Process June 2021. Collection method: clinical testing. Allele origin: germline. Affected: yes.
Comment: Published functional studies demonstrate defective transport activity (Riveira-Munoz et al., 2007); In silico analysis supports that this missense variant has a deleterious effect on protein structure/function; This variant is associated with the following publications: (PMID: 17329572, 12112667, 26921350, 21415153, 33348466, 35628451)

Labcorp Genetics (formerly Invitae), Labcorp
Classification: Pathogenic. Last evaluated: 2023-11-24. Review status: criteria provided, single submitter. Criteria: Invitae Variant Classification Sherloc (09022015). Collection method: clinical testing. Allele origin: germline.
Comment: This sequence change replaces glycine, which is neutral and non-polar, with valine, which is neutral and non-polar, at codon 316 of the SLC12A3 protein (p.Gly316Val). This variant is present in population databases (rs748920885, gnomAD 0.01%). This missense change has been observed in individual(s) with Gitelman syndrome (PMID: 12112667, 21415153). In at least one individual the data is consistent with being in trans (on the opposite chromosome) from a pathogenic variant. ClinVar contains an entry for this variant (Variation ID: 1454114). Advanced modeling of protein sequence and biophysical properties (such as structural, functional, and spatial information, amino acid conservation, physicochemical variation, residue mobility, and thermodynamic stability) performed at Invitae indicates that this missense variant is expected to disrupt SLC12A3 protein function with a positive predictive value of 95%. Experimental studies have shown that this missense change affects SLC12A3 function (PMID: 17329572). This variant disrupts the p.Gly316 amino acid residue in SLC12A3. Other variant(s) that disrupt this residue have been determined to be pathogenic (PMID: 17699451, 21415153, 30138938). This suggests that this residue is clinically significant, and that variants that disrupt this residue are likely to be disease-causing. For these reasons, this variant has been classified as Pathogenic.

MGZ Medical Genetics Center
Classification: Likely pathogenic for Familial hypokalemia-hypomagnesemia. Last evaluated: 2021-09-24. Review status: criteria provided, single submitter. Criteria: ACMG Guidelines, 2015. Collection method: clinical testing. Allele origin: germline. Affected: yes. Observed: 2 variant alleles.
Comment: ACMG criteria applied: PS3, PS4_MOD, PM3, PM2_SUP

Juno Genomics, Hangzhou Juno Genomics, Inc
Classification: Likely pathogenic for Familial hypokalemia-hypomagnesemia. Review status: criteria provided, single submitter. Criteria: ACMG Guidelines, 2015. Collection method: clinical testing. Allele origin: germline.
Comment: Absent from controls (or at extremely low frequency if recessive) in Genome Aggregation Database.;For recessive disorders, detected in trans with a pathogenic variant.;Patient's phenotype or family history is highly specific for a disease with a single genetic etiology.;Novel missense change at an amino acid residue where a different missense change determined to be pathogenic has been seen before.;Well-established in vitro or in vivo functional studies supportive of a damaging effect on the gene or gene product.

Literature cited by the submitters: PubMed 33348466 (cited by Natera, Inc.); PubMed 35628451 (cited by Natera, Inc.); PubMed 12112667 (cited by Labcorp Genetics (formerly Invitae), Labcorp); PubMed 21415153 (cited by Labcorp Genetics (formerly Invitae), Labcorp); PubMed 17329572 (cited by Labcorp Genetics (formerly Invitae), Labcorp); PubMed 17699451 (cited by Labcorp Genetics (formerly Invitae), Labcorp); PubMed 30138938 (cited by Labcorp Genetics (formerly Invitae), Labcorp).

NM_001126108.2(SLC12A3):c.947G>T (p.Gly316Val)

Gene: SLC12A3 (solute carrier family 12 member 3; plus strand). Cytogenetic location: 16q13.
Variant type: single nucleotide variant.
Coding change: c.947G>T on transcript NM_001126108.2 (MANE Select); coding-DNA position 947, G replaced by T.
Protein change: p.Gly316Val; replaces glycine 316 with valine.
Molecular consequence: missense variant.
Genome position (GRCh38, 1-based): chr16:56,872,445, G>T. VCF-style: chr16-56872445-G-T. GRCh37 (hg19) VCF-style: chr16-56906357-G-T.
Other names: c.947G>T (NM_000339.2); c.947G>T, p.Gly316Val (NM_000339.3); c.944G>T, p.Gly315Val (NM_001126107.2); short protein forms G315V, G316V.
Identifiers: ClinVar variation 1454114 (VCV001454114.15), dbSNP rs748920885, ClinGen allele CA8069269.
Genomic context (GRCh38, chr16:56,872,445, plus strand): 5'-CCTTTGCCAACTATTTAGTGGGGACGCTGATCCCCCCATCTGAGGACAAGGCCTCCAAAG[G>T]CTTCTTCAGCTACCGGGGTATGTGCTGATCAAGGCCCTGACCATGGCTCTGGGGACAGGG-3'
Protein context (NP_001119580.2, residues 306-326): IPPSEDKASK[Gly316Val]FFSYRADIFV